The following is an entry in ClinVar:

ClinVar aggregate classification (germline): Conflicting classifications of pathogenicity. Review status: criteria provided, conflicting classifications (1 of 4 stars). 4 submissions from 4 submitters: Uncertain significance (3); Likely benign (1). Last evaluated 2026-01-14.

Conditions:
Deficiency of alpha-mannosidase (MANSA). Also called: Alpha-Mannosidosis; Mannosidosis, alpha-, types I and II; LYSOSOMAL ALPHA-D-MANNOSIDASE DEFICIENCY. Identifiers: Orphanet 61, MedGen C0024748, MONDO:0009561, OMIM 248500.
Inborn genetic diseases. Identifiers: MedGen C0950123, MeSH D030342.
MAN2B1-related disorder. Also called: MAN2B1-related condition.

Allele frequency attached by ClinVar (database versions not stated): gnomAD 0.00009 and 0.00013; TOPMed 0.00010; gnomAD exomes 0.00014; 1000 Genomes Project 30x 0.00016; 1000 Genomes Project 0.00020; ExAC 0.00037.
gnomAD v4.1: 107 of 1,550,790 alleles (0.0069%); highest among the groups gnomAD compares: Middle Eastern, 0.29%; 2 homozygotes.

Submissions (4):

Labcorp Genetics (formerly Invitae), Labcorp
Classification: Uncertain significance for Deficiency of alpha-mannosidase. Last evaluated: 2026-01-14. Review status: criteria provided, single submitter. Criteria: Invitae Variant Classification Sherloc (09022015). Collection method: clinical testing. Allele origin: germline.
Comment: This sequence change replaces alanine, which is neutral and non-polar, with proline, which is neutral and non-polar, at codon 7 of the MAN2B1 protein (p.Ala7Pro). This variant is present in population databases (rs199673719, gnomAD 0.02%). This variant has not been reported in the literature in individuals affected with MAN2B1-related conditions. ClinVar contains an entry for this variant (Variation ID: 1500631). Invitae Evidence Modeling of protein sequence and biophysical properties (such as structural, functional, and spatial information, amino acid conservation, physicochemical variation, residue mobility, and thermodynamic stability) indicates that this missense variant is not expected to disrupt MAN2B1 protein function with a negative predictive value of 95%. In summary, the available evidence is currently insufficient to determine the role of this variant in disease. Therefore, it has been classified as a Variant of Uncertain Significance.

PreventionGenetics, part of Exact Sciences
Classification: Uncertain significance for MAN2B1-related condition. Last evaluated: 2025-02-12. Review status: criteria provided, single submitter. Criteria: ACMG Guidelines, 2015. Collection method: clinical testing. Allele origin: germline.
Comment: The MAN2B1 c.19G>C variant is predicted to result in the amino acid substitution p.Ala7Pro. To our knowledge, this variant has not been reported in the literature. This variant is reported in 0.021% of alleles in individuals of European (Non-Finnish) descent in gnomAD. At this time, the clinical significance of this variant is uncertain due to the absence of conclusive functional and genetic evidence.

Ambry Genetics
Classification: Likely benign for Inborn genetic diseases. Last evaluated: 2024-06-17. Review status: criteria provided, single submitter. Criteria: Ambry Variant Classification Scheme 2023. Collection method: clinical testing. Allele origin: germline.

Revvity Omics, Revvity
Classification: Uncertain significance for Deficiency of alpha-mannosidase. Last evaluated: 2022-02-14. Review status: criteria provided, single submitter. Criteria: ACMG Guidelines, 2015. Collection method: clinical testing. Allele origin: germline.

NM_000528.4(MAN2B1):c.19G>C (p.Ala7Pro)

Genes: MAN2B1 (mannosidase alpha class 2B member 1; minus strand), LOC130063650 (ATAC-STARR-seq lymphoblastoid silent region 10156; plus strand). Cytogenetic location: 19p13.13.
Variant type: single nucleotide variant.
Coding change: c.19G>C on transcript NM_000528.4 (MANE Select); coding-DNA position 19, G replaced by C.
Protein change: p.Ala7Pro; replaces alanine 7 with proline.
Molecular consequence: missense variant.
Genome position (GRCh38, 1-based): chr19:12,666,683, C>G on the plus strand (G>C on the coding strand, the complement: MAN2B1 is on the minus strand). VCF-style: chr19-12666683-C-G. GRCh37 (hg19) VCF-style: chr19-12777497-C-G.
Other names: c.19G>C, p.Ala7Pro (NM_001173498.2); c.19G>C (NM_000528.3); short protein forms A7P.
Identifiers: ClinVar variation 1500631 (VCV001500631.9), dbSNP rs199673719, ClinGen allele CA9226921.
Genomic context (GRCh38, chr19:12,666,683, plus strand): 5'-CGCGGGACATGGTCCAGGGGCCTGCTGAGTCCAGGCAGCCGCGAGCGCAGACCCCCGAAG[C>G]CCGCGCGTAGGCGCCCATGGCTCAGCAGCTTCCTCCTGGGGTTCCCCGGCCCTGGAAAGG-3'
Protein context (NP_000519.2, residues 1-17): MGAYAR[Ala7Pro]SGVCARGCLD